The following is an entry in ClinVar:

ClinVar aggregate classification (germline): Uncertain significance. Review status: criteria provided, multiple submitters, no conflicts (2 of 4 stars). 2 submissions from 2 submitters: Uncertain significance (2). Last evaluated 2025-04-09.

Allele frequency attached by ClinVar (database versions not stated): gnomAD 0.00001; gnomAD exomes 0.00001; TOPMed 0.00002.
gnomAD v4.1: 15 of 1,613,990 alleles (0.00093%); highest among the groups gnomAD compares: Admixed American, 0.0083%; no homozygotes.

Submissions (2):

Labcorp Genetics (formerly Invitae), Labcorp
Classification: Uncertain significance. Last evaluated: 2025-04-09. Review status: criteria provided, single submitter. Criteria: Invitae Variant Classification Sherloc (09022015). Collection method: clinical testing. Allele origin: germline.
Comment: This sequence change replaces glycine, which is neutral and non-polar, with arginine, which is basic and polar, at codon 3690 of the ANK3 protein (p.Gly3690Arg). This variant is present in population databases (no rsID available, gnomAD 0.006%). This missense change has been observed in individual(s) with autism spectrum disorder (PMID: 23597238). ClinVar contains an entry for this variant (Variation ID: 1917881). Invitae Evidence Modeling of protein sequence and biophysical properties (such as structural, functional, and spatial information, amino acid conservation, physicochemical variation, residue mobility, and thermodynamic stability) indicates that this missense variant is not expected to disrupt ANK3 protein function with a negative predictive value of 80%. In summary, the available evidence is currently insufficient to determine the role of this variant in disease. Therefore, it has been classified as a Variant of Uncertain Significance.

CeGaT Center for Human Genetics Tuebingen
Classification: Uncertain significance. Last evaluated: 2025-02-01. Review status: criteria provided, single submitter. Criteria: CeGaT Center For Human Genetics Tuebingen Variant Classification Criteria Version 2. Collection method: clinical testing. Allele origin: germline. Affected: yes. Observed: 1 variant allele.
Comment: ANK3: PM2, BP4

Literature cited by the submitters: PubMed 23597238 (cited by Labcorp Genetics (formerly Invitae), Labcorp).

NM_020987.5(ANK3):c.11068G>A (p.Gly3690Arg)

Gene: ANK3 (ankyrin 3; minus strand). Cytogenetic location: 10q21.2.
Variant type: single nucleotide variant.
Coding change: c.11068G>A on transcript NM_020987.5 (MANE Select); coding-DNA position 11068, G replaced by A.
Protein change: p.Gly3690Arg; replaces glycine 3690 with arginine.
Molecular consequence: missense variant. On other transcripts: intron variant (4).
Genome position (GRCh38, 1-based): chr10:60,069,813, C>T on the plus strand (G>A on the coding strand, the complement: ANK3 is on the minus strand). VCF-style: chr10-60069813-C-T. GRCh37 (hg19) VCF-style: chr10-61829571-C-T.
Other names: c.4388-1804G>A (NM_001204403.2); c.4409-1804G>A (NM_001204404.2); c.4406-1804G>A (NM_001320874.2); c.1808-1804G>A (NM_001149.4); short protein forms G3690R.
Identifiers: ClinVar variation 1917881 (VCV001917881.18), dbSNP rs1252227510, ClinGen allele CA376997770.